The following is an entry in ClinVar:

NM_001012720.2(RGR):c.258C>T (p.Asp86=)

Gene: RGR (retinal G protein coupled receptor; plus strand). Cytogenetic location: 10q23.1.
Variant type: single nucleotide variant.
Coding change: c.258C>T on transcript NM_001012720.2 (MANE Select); coding-DNA position 258, C replaced by T.
Protein change: p.Asp86=; no amino-acid change (aspartic acid 86 retained).
Molecular consequence: synonymous variant.
Genome position (GRCh38, 1-based): chr10:84,248,943, C>T. VCF-style: chr10-84248943-C-T. GRCh37 (hg19) VCF-style: chr10-86008699-C-T.
Other names: c.258C>T, p.Asp86= (NM_001012722.2); c.270C>T, p.Asp90= (NM_002921.4).
Identifiers: ClinVar variation 1088771 (VCV001088771.14), dbSNP rs561362389, ClinGen allele CA5581369.

ClinVar aggregate classification (germline): Likely benign. Review status: criteria provided, multiple submitters, no conflicts (2 of 4 stars). 3 submissions from 3 submitters: Likely benign (3). Last evaluated 2026-01-01.

Allele frequency attached by ClinVar (database versions not stated): gnomAD 0.00006; gnomAD exomes 0.00006 and 0.00014; TOPMed 0.00007; ExAC 0.00012; 1000 Genomes Project 0.00020; 1000 Genomes Project 30x 0.00031.
gnomAD v4.1: 98 of 1,614,106 alleles (0.0061%); highest among the groups gnomAD compares: East Asian, 0.06%; no homozygotes.

Submissions (3):

CeGaT Center for Human Genetics Tuebingen
Classification: Likely benign. Last evaluated: 2026-01-01. Review status: criteria provided, single submitter. Criteria: CeGaT Center For Human Genetics Tuebingen Variant Classification Criteria Version 2. Collection method: clinical testing. Allele origin: germline. Affected: yes. Observed: 1 variant allele.
Comment: RGR: BP4, BP7

Labcorp Genetics (formerly Invitae), Labcorp
Classification: Likely benign. Last evaluated: 2025-10-13. Review status: criteria provided, single submitter. Criteria: Invitae Variant Classification Sherloc (09022015). Collection method: clinical testing. Allele origin: germline.

Blueprint Genetics
Classification: Likely benign. Last evaluated: 2024-11-20. Review status: criteria provided, single submitter. Criteria: ACMG Guidelines, 2015. Collection method: clinical testing. Allele origin: germline.